The following is an entry in ClinVar:

NM_000152.5(GAA):c.942C>A (p.Asn314Lys)

Gene: GAA (alpha glucosidase; plus strand). Cytogenetic location: 17q25.3.
Variant type: single nucleotide variant.
Coding change: c.942C>A on transcript NM_000152.5 (MANE Select); coding-DNA position 942, C replaced by A.
Protein change: p.Asn314Lys; replaces asparagine 314 with lysine.
Molecular consequence: missense variant.
Genome position (GRCh38, 1-based): chr17:80,107,883, C>A. VCF-style: chr17-80107883-C-A. GRCh37 (hg19) VCF-style: chr17-78081682-C-A.
Other names: c.942C>A, p.Asn314Lys (NM_001079803.3, NM_001079804.3, NM_001406741.1 and 1 more transcripts); short protein forms N314K.
Identifiers: ClinVar variation 4876610 (VCV004876610.1).

ClinVar aggregate classification (germline): Uncertain significance (1 of 4 stars; one submission).

Conditions:
Glycogen storage disease, type II (IOPD). Also called: Pompe Disease; CARDIOMEGALIA GLYCOGENICA DIFFUSA; GLYCOGENOSIS, GENERALIZED, CARDIAC FORM; GSD II; POMPE DISEASE, INFANTILE-ONSET; GLYCOGEN STORAGE DISEASE II, INFANTILE-ONSET. Identifiers: Orphanet 365, MedGen C0017921, MONDO:0009290, OMIM 232300.

Submission:

Genomenon, Inc
Classification: Uncertain significance for Glycogen storage disease, type II. Last evaluated: 2026-07-01. Review status: criteria provided, single submitter. Criteria: Genomenon Sequence Variant Interpretation Standards - Updated. Collection method: curation. Allele origin: germline. Affected: yes.
Comment: GAA p.Asn314Lys (c.942C>A) is a missense variant that changes the amino acid at codon 314 from Asparagine to Lysine. This variant has been observed in at least one proband with a GAA-related disorder in the compound heterozygous and/or homozygous state (PMID:29124014;33301762). It is absent or not present at a significant frequency in gnomAD. In silico models predict that this variant is possibly or probably damaging. In conclusion, we classify GAA p.Asn314Lys (c.942C>A) as a variant of uncertain significance.

Literature cited by the submitters: PubMed 29124014; PubMed 33301762.